The following is an entry in ClinVar:

NM_000368.5(TSC1):c.814G>A (p.Glu272Lys)

Gene: TSC1 (TSC complex subunit 1; minus strand). Cytogenetic location: 9q34.13.
Variant type: single nucleotide variant.
Coding change: c.814G>A on transcript NM_000368.5 (MANE Select); coding-DNA position 814, G replaced by A.
Protein change: p.Glu272Lys; replaces glutamic acid 272 with lysine.
Molecular consequence: missense variant.
Genome position (GRCh38, 1-based): chr9:132,912,381, C>T on the plus strand (G>A on the coding strand, the complement: TSC1 is on the minus strand). VCF-style: chr9-132912381-C-T. GRCh37 (hg19) VCF-style: chr9-135787768-C-T.
Other names: c.814G>A, p.Glu272Lys (NM_001162426.2); c.661G>A, p.Glu221Lys (NM_001162427.2); c.451G>A, p.Glu151Lys (NM_001362177.2); short protein forms E151K, E221K, E272K.
Identifiers: ClinVar variation 995865 (VCV000995865.5), dbSNP rs397514872, ClinGen allele CA039066.
Genomic context (GRCh38, chr9:132,912,381, plus strand): 5'-CATCGGCTGAACGATGAGGAAAGCGGGCTGAGATTTGGTGAGACACAGAATAGCCATCTT[C>T]ATATGAGGCTTCTGTGGGATCCAGAGAGATTTTGGCACACTCGATCACAACATCATGAGT-3'
Protein context (NP_000359.1, residues 262-282): ISLDPTEASY[Glu272Lys]DGYSVSHQIS

ClinVar aggregate classification (germline): Uncertain significance (1 of 4 stars; one submission).

Conditions:
Tuberous sclerosis 1 (TSC1). Identifiers: Orphanet 805, MedGen C1854465, MONDO:0008612, OMIM 191100.

Allele frequency attached by ClinVar (database versions not stated): gnomAD exomes below 0.00001; ExAC 0.00001.
gnomAD v4.1: 2 of 1,614,218 alleles (0.00012%); highest among the groups gnomAD compares: South Asian, 0.0022%; no homozygotes.

Submission:

Diagnostics Services (NGS), CSIR - Centre For Cellular And Molecular Biology
Classification: Uncertain significance for Tuberous sclerosis 1. Last evaluated: 2020-12-04. Review status: criteria provided, single submitter. Criteria: ACMG Guidelines, 2015. Collection method: clinical testing. Allele origin: unknown. Affected: yes. Observed: 1 variant allele, 1 heterozygote.
Comment: The c.814G>A variant is absent in publicly available population databases like 1000 Genomes, Genome Aggregation Database (gnomAD), and present in a heterozygous state at a very low frequency in Exome Aggregation Consortium (ExAC) database. The variant is not present in our in-house exome database. In-silico pathogenicity prediction programs like SIFT, PolyPhen2, MutationTaster2, CADD etc. predicted this variant to be likely deleterious. There are no proven functional studies present for this variant. Due to lack of enough evidence the variant has been classified as uncertain significance.